The following is an entry in ClinVar:

ClinVar aggregate classification (germline): Pathogenic. Review status: reviewed by expert panel (3 of 4 stars). 3 submissions from 3 submitters: Pathogenic (1). 2 of the submissions do not count toward it. Last evaluated 2016-10-18.

Conditions:
Hereditary breast ovarian cancer syndrome. Also called: Hereditary breast and ovarian cancer syndrome (HBOC); Breast and ovarian cancer; Hereditary breast and ovarian cancer syndrome; Hereditary breast and ovarian cancer; BRCA1- and BRCA2-Associated Hereditary Breast and Ovarian Cancer; Hereditary breast and/or ovarian cancer syndrome. Identifiers: Orphanet 145, MedGen C0677776, MeSH D061325, MONDO:0003582. Disease mechanism: loss of function.
Breast-ovarian cancer, familial, susceptibility to, 1 (BROVCA1). Also called: BRCA1 Hereditary Breast and Ovarian Cancer; OVARIAN CANCER, SUSCEPTIBILITY TO. Identifiers: Orphanet 145, MedGen C2676676, MONDO:0011450, OMIM 604370. Disease mechanism: loss of function.

Submissions (3):

Evidence-based Network for the Interpretation of Germline Mutant Alleles (ENIGMA)
Classification: Pathogenic for Breast-ovarian cancer, familial, susceptibility to, 1. Last evaluated: 2016-10-18. Review status: reviewed by expert panel. Criteria: ENIGMA BRCA1/2 Classification Criteria (2015). Collection method: curation. Allele origin: germline.
Comment: Variant allele predicted to encode a truncated non-functional protein.

Labcorp Genetics (formerly Invitae), Labcorp
Classification: Pathogenic for Hereditary breast ovarian cancer syndrome. Last evaluated: 2024-04-22. Review status: criteria provided, single submitter. Criteria: Invitae Variant Classification Sherloc (09022015). Collection method: clinical testing. Allele origin: germline. Not counted in ClinVar's aggregate classification.
Comment: This sequence change creates a premature translational stop signal (p.Gln1612Argfs*21) in the BRCA1 gene. It is expected to result in an absent or disrupted protein product. Loss-of-function variants in BRCA1 are known to be pathogenic (PMID: 20104584). This variant is not present in population databases (gnomAD no frequency). This variant has not been reported in the literature in individuals affected with BRCA1-related conditions. ClinVar contains an entry for this variant (Variation ID: 266496). For these reasons, this variant has been classified as Pathogenic.

Consortium of Investigators of Modifiers of BRCA1/2 (CIMBA), c/o University of Cambridge
Classification: Pathogenic for Breast-ovarian cancer, familial, susceptibility to, 1. Last evaluated: 2015-10-02. Review status: criteria provided, single submitter. Criteria: CIMBA Mutation Classification guidelines May 2016. Collection method: clinical testing. Allele origin: germline. Not counted in ClinVar's aggregate classification.

Literature cited by the submitters: PubMed 20104584 (cited by Labcorp Genetics (formerly Invitae), Labcorp).

NM_007294.4(BRCA1):c.4834del (p.Gln1612fs)

Gene: BRCA1 (BRCA1 DNA repair associated; minus strand). Cytogenetic location: 17q21.31.
Variant type: Deletion.
Coding change: c.4834del on transcript NM_007294.4 (MANE Select); coding-DNA position 4834, one base deleted (C; older notation c.4834delC).
Protein change: p.Gln1612fs; shifts the reading frame from glutamine 1612.
Molecular consequence: frameshift variant. On other transcripts: non-coding transcript variant (1).
Genome position (GRCh38, 1-based): chr17:43,071,080, G deleted on the plus strand (C on the coding strand, the reverse complement: BRCA1 is on the minus strand); the first of 3 consecutive G bases (chr17:43,071,080-43,071,082); deleting any one gives the same sequence. VCF-style (leftmost placement, unchanged base first): chr17-43071079-TG-T. GRCh37 (hg19) VCF-style: chr17-41223096-TG-T.
Other names: 4953delC; c.4619delC, p.Gln1541Argfs (NM_001407898.1, NM_001407899.1, NM_001407900.1 and 12 more transcripts); c.4616delC, p.Gln1540Argfs (NM_001407915.1, NM_001407916.1, NM_001407917.1 and 1 more transcripts); c.4709delC, p.Gln1571Argfs (NM_001407919.1, NM_001407937.1, NM_001407938.1 and 6 more transcripts); c.4568delC, p.Gln1524Argfs (NM_001407920.1, NM_001407921.1, NM_001407922.1 and 4 more transcripts); c.4565delC, p.Gln1523Argfs (NM_001407927.1, NM_001407928.1, NM_001407929.1 and 4 more transcripts); c.4562delC, p.Gln1522Argfs (NM_001407934.1, NM_001407935.1, NM_001407936.1); c.4706delC, p.Gln1570Argfs (NM_001407939.1, NM_001407940.1, NM_001407670.1 and 11 more transcripts); and 74 more; short protein forms Q1612fs, Q508fs, Q1633fs, Q1565fs.
Identifiers: ClinVar variation 266496 (VCV000266496.9), dbSNP rs886040249, ClinGen allele CA10589643.
Genomic context (GRCh38, chr17:43,071,079, plus strand): 5'-ACACTTTCTTCCATTGCATTATACCCAGCAGTATCAGTAGTATGAGCAGCAGCTGGACTC[TG>T]GGCAGATTCTGCAACTTTCAATTGGGGAACTTTCAATGCAGAGGTTGAAGATGGTATGTT-3'